The following is an entry in ClinVar:

ClinVar aggregate classification (germline): Uncertain significance (1 of 4 stars; one submission).

Conditions:
Rhabdoid tumor predisposition syndrome 2 (RTPS2). Identifiers: Orphanet 231108, Orphanet 69077, MedGen C2750074, MONDO:0013224, OMIM 613325.

gnomAD v4.1: 1 of 1,613,976 alleles (0.000062%); highest among the groups gnomAD compares: East Asian, 0.0022%; no homozygotes.

Submission:

Labcorp Genetics (formerly Invitae), Labcorp
Classification: Uncertain significance for Rhabdoid tumor predisposition syndrome 2. Last evaluated: 2025-06-08. Review status: criteria provided, single submitter. Criteria: Invitae Variant Classification Sherloc (09022015). Collection method: clinical testing. Allele origin: germline.
Comment: This sequence change replaces lysine, which is basic and polar, with threonine, which is neutral and polar, at codon 437 of the SMARCA4 protein (p.Lys437Thr). This variant is not present in population databases (gnomAD no frequency). This variant has not been reported in the literature in individuals affected with SMARCA4-related conditions. Invitae Evidence Modeling of protein sequence and biophysical properties (such as structural, functional, and spatial information, amino acid conservation, physicochemical variation, residue mobility, and thermodynamic stability) indicates that this missense variant is expected to disrupt SMARCA4 protein function with a positive predictive value of 95%. In summary, the available evidence is currently insufficient to determine the role of this variant in disease. Therefore, it has been classified as a Variant of Uncertain Significance.

NM_003072.5(SMARCA4):c.1310A>C (p.Lys437Thr)

Gene: SMARCA4 (SWI/SNF related BAF chromatin remodeling complex subunit ATPase 4; plus strand). Cytogenetic location: 19p13.2.
Variant type: single nucleotide variant.
Coding change: c.1310A>C on transcript NM_003072.5 (MANE Select); coding-DNA position 1310, A replaced by C.
Protein change: p.Lys437Thr; replaces lysine 437 with threonine.
Molecular consequence: missense variant. On other transcripts: non-coding transcript variant (1).
Genome position (GRCh38, 1-based): chr19:10,991,214, A>C. VCF-style: chr19-10991214-A-C. GRCh37 (hg19) VCF-style: chr19-11101890-A-C.
Other names: c.1310A>C, p.Lys437Thr (NM_001128844.3, NM_001128845.2, NM_001128846.2 and 6 more transcripts); short protein forms K437T.
Identifiers: ClinVar variation 4768242 (VCV004768242.1).